The following is an entry in ClinVar:

NM_001161352.2(KCNMA1):c.1051T>A (p.Ser351Thr)

Gene: KCNMA1 (potassium calcium-activated channel subfamily M alpha 1; minus strand). Cytogenetic location: 10q22.3.
Variant type: single nucleotide variant.
Coding change: c.1051T>A on transcript NM_001161352.2 (MANE Select); coding-DNA position 1051, T replaced by A.
Protein change: p.Ser351Thr; replaces serine 351 with threonine.
Molecular consequence: missense variant.
Genome position (GRCh38, 1-based): chr10:77,110,253, A>T on the plus strand (T>A on the coding strand, the complement: KCNMA1 is on the minus strand). VCF-style: chr10-77110253-A-T. GRCh37 (hg19) VCF-style: chr10-78870011-A-T.
Other names: c.1051T>A, p.Ser351Thr (NM_001322832.2, NM_001322835.2, NM_001322836.2 and 9 more transcripts); c.511T>A, p.Ser171Thr (NM_001322838.2); c.1183T>A, p.Ser395Thr (NM_001437422.1); c.889T>A, p.Ser297Thr (NM_001271518.2); short protein forms S171T, S297T, S351T, S395T.
Identifiers: ClinVar variation 4082457 (VCV004082457.2).

ClinVar aggregate classification (germline): Pathogenic (1 of 4 stars; one submission).

Submission:

Genetic Services Laboratory, University of Chicago
Classification: Pathogenic. Last evaluated: 2024-10-08. Review status: criteria provided, single submitter. Criteria: ACMG Guidelines, 2015. Collection method: clinical testing. Allele origin: germline. Affected: yes.
Comment: DNA sequence analysis of the KCNMA1 gene demonstrated a sequence change, c.1051T>A, in exon 8 that results in an amino acid change, p.Ser351Thr. The p.Ser351Thr change affects a highly conserved amino acid residue located in a domain of the KCNMA1 protein that is known to be functional. The p.Ser351Thr substitution appears to be deleterious using several in-silico pathogenicity prediction tools (SIFT, PolyPhen2, Align GVGD, REVEL). This sequence change has not been described in population databases such as ExAC and gnomAD. This particular sequence change does not appear to have been described in the literature in other individuals with KCNMA1-related disorders, however, a different pathogenic sequence change affecting the same amino acid residue (p.Ser351Tyr) has been described in an individual with early-onset ataxia, developmental delay and intellectual disability [PMID: 31152168]. The p.Ser351Thr amino acid change occurs in a region of the KCNMA1 protein where other missense pathogenic loss-of-function sequence changes have been described in individuals with KCNMA1-related disorders [PMID 25326637, 31152168, 32132200]. Collectively, this evidence indicates that this sequence change is likely pathogenic, however, functional studies have not been performed to prove this conclusively.